The following is an entry in ClinVar:

NM_000059.4(BRCA2):c.2780T>C (p.Met927Thr)

Gene: BRCA2 (BRCA2 DNA repair associated; plus strand). Cytogenetic location: 13q13.1.
Variant type: single nucleotide variant.
Coding change: c.2780T>C on transcript NM_000059.4 (MANE Select); coding-DNA position 2780, T replaced by C.
Protein change: p.Met927Thr; replaces methionine 927 with threonine.
Molecular consequence: missense variant. On other transcripts: non-coding transcript variant (1), intron variant (2).
Genome position (GRCh38, 1-based): chr13:32,337,135, T>C. VCF-style: chr13-32337135-T-C. GRCh37 (hg19) VCF-style: chr13-32911272-T-C.
Other names: c.2780T>C, p.Met927Thr (NM_001406719.1, NM_001406720.1); c.1909+3748T>C (NM_001406721.1); c.424+6105T>C (NM_001406722.1); short protein forms M927T.
Identifiers: ClinVar variation 2832279 (VCV002832279.3), dbSNP rs2548524639, ClinGen allele CA387773703.
Genomic context (GRCh38, chr13:32,337,135, plus strand): 5'-AGGAACTTCATGAAACAGACTTGACTTGTGTAAACGAACCCATTTTCAAGAACTCTACCA[T>C]GGTTTTATATGGAGACACAGGTGATAAACAAGCAACCCAAGTGTCAATTAAAAAAGATTT-3'
Protein context (NP_000050.3, residues 917-937): VNEPIFKNST[Met927Thr]VLYGDTGDKQ

ClinVar aggregate classification (germline): Uncertain significance (1 of 4 stars; one submission).

Conditions:
Hereditary breast ovarian cancer syndrome. Also called: Hereditary breast and ovarian cancer; BRCA1- and BRCA2-Associated Hereditary Breast and Ovarian Cancer; Hereditary breast and ovarian cancer syndrome; Hereditary breast and ovarian cancer syndrome (HBOC); Breast and ovarian cancer; Hereditary breast and/or ovarian cancer syndrome. Identifiers: Orphanet 145, MedGen C0677776, MeSH D061325, MONDO:0003582. Disease mechanism: loss of function.

Allele frequency attached by ClinVar (database versions not stated): gnomAD exomes below 0.00001.
gnomAD v4.1: 2 of 1,613,860 alleles (0.00012%); highest among the groups gnomAD compares: Non-Finnish European, 0.00017%; no homozygotes.

Submission:

Labcorp Genetics (formerly Invitae), Labcorp
Classification: Uncertain significance for Hereditary breast ovarian cancer syndrome. Last evaluated: 2023-01-26. Review status: criteria provided, single submitter. Criteria: Invitae Variant Classification Sherloc (09022015). Collection method: clinical testing. Allele origin: germline.
Comment: This sequence change replaces methionine, which is neutral and non-polar, with threonine, which is neutral and polar, at codon 927 of the BRCA2 protein (p.Met927Thr). This variant is not present in population databases (gnomAD no frequency). This variant has not been reported in the literature in individuals affected with BRCA2-related conditions. Advanced modeling of protein sequence and biophysical properties (such as structural, functional, and spatial information, amino acid conservation, physicochemical variation, residue mobility, and thermodynamic stability) performed at Invitae indicates that this missense variant is not expected to disrupt BRCA2 protein function. In summary, the available evidence is currently insufficient to determine the role of this variant in disease. Therefore, it has been classified as a Variant of Uncertain Significance.